The following is an entry in ClinVar:

NM_014629.4(ARHGEF10):c.893G>A (p.Arg298Lys)

Gene: ARHGEF10 (Rho guanine nucleotide exchange factor 10; plus strand). Cytogenetic location: 8p23.3.
Variant type: single nucleotide variant.
Coding change: c.893G>A on transcript NM_014629.4 (MANE Select); coding-DNA position 893, G replaced by A.
Protein change: p.Arg298Lys; replaces arginine 298 with lysine.
Molecular consequence: missense variant. On other transcripts: intron variant (1).
Genome position (GRCh38, 1-based): chr8:1,880,097, G>A. VCF-style: chr8-1880097-G-A. GRCh37 (hg19) VCF-style: chr8-1828263-G-A.
Other names: c.896G>A, p.Arg299Lys (NM_001308153.3); c.847-2538G>A (NM_001308152.2); short protein forms R298K, R323K, R299K.
Identifiers: ClinVar variation 2904070 (VCV002904070.8), dbSNP rs374670875, ClinGen allele CA4600095.

ClinVar aggregate classification (germline): Conflicting classifications of pathogenicity. Review status: criteria provided, conflicting classifications (1 of 4 stars). 2 submissions from 2 submitters: Uncertain significance (1); Likely benign (1). Last evaluated 2025-12-01.

Allele frequency attached by ClinVar (database versions not stated): ExAC 0.00002; TOPMed 0.00002; ESP Exome Variant Server 0.00008.
gnomAD v4.1: 38 of 1,614,088 alleles (0.0024%); highest among the groups gnomAD compares: Non-Finnish European, 0.0027%; no homozygotes.

Submissions (2):

CeGaT Center for Human Genetics Tuebingen
Classification: Likely benign. Last evaluated: 2025-12-01. Review status: criteria provided, single submitter. Criteria: CeGaT Center For Human Genetics Tuebingen Variant Classification Criteria Version 2. Collection method: clinical testing. Allele origin: germline. Affected: yes. Observed: 1 variant allele.
Comment: ARHGEF10: BP4

Labcorp Genetics (formerly Invitae), Labcorp
Classification: Uncertain significance. Last evaluated: 2025-11-03. Review status: criteria provided, single submitter. Criteria: Invitae Variant Classification Sherloc (09022015). Collection method: clinical testing. Allele origin: germline.
Comment: This sequence change replaces arginine, which is basic and polar, with lysine, which is basic and polar, at codon 298 of the ARHGEF10 protein (p.Arg298Lys). This variant is present in population databases (rs374670875, gnomAD 0.003%). This variant has not been reported in the literature in individuals affected with ARHGEF10-related conditions. ClinVar contains an entry for this variant (Variation ID: 2904070). An algorithm developed to predict the effect of missense changes on protein structure and function outputs the following: PolyPhen-2: "Benign". The lysine amino acid residue is found in multiple mammalian species, which suggests that this missense change does not adversely affect protein function. In summary, the available evidence is currently insufficient to determine the role of this variant in disease. Therefore, it has been classified as a Variant of Uncertain Significance.